The following is an entry in ClinVar:

NM_001195263.2(PDZD7):c.1921A>G (p.Lys641Glu)

Gene: PDZD7 (PDZ domain containing 7; minus strand). Cytogenetic location: 10q24.31.
Variant type: single nucleotide variant.
Coding change: c.1921A>G on transcript NM_001195263.2 (MANE Select); coding-DNA position 1921, A replaced by G.
Protein change: p.Lys641Glu; replaces lysine 641 with glutamic acid.
Molecular consequence: missense variant.
Genome position (GRCh38, 1-based): chr10:101,011,937, T>C on the plus strand (A>G on the coding strand, the complement: PDZD7 is on the minus strand). VCF-style: chr10-101011937-T-C. GRCh37 (hg19) VCF-style: chr10-102771694-T-C.
Other names: short protein forms K641E.
Identifiers: ClinVar variation 1471483 (VCV001471483.6), dbSNP rs2134004127, ClinGen allele CA378226164.

ClinVar aggregate classification (germline): Uncertain significance (1 of 4 stars; one submission).

Allele frequency attached by ClinVar (database versions not stated): gnomAD exomes below 0.00001.
gnomAD v4.1: 3 of 1,550,292 alleles (0.00019%); highest among the groups gnomAD compares: Non-Finnish European, 0.00026%; no homozygotes.

Submission:

Labcorp Genetics (formerly Invitae), Labcorp
Classification: Uncertain significance. Last evaluated: 2022-11-15. Review status: criteria provided, single submitter. Criteria: Invitae Variant Classification Sherloc (09022015). Collection method: clinical testing. Allele origin: germline.
Comment: In summary, the available evidence is currently insufficient to determine the role of this variant in disease. Therefore, it has been classified as a Variant of Uncertain Significance. Advanced modeling of protein sequence and biophysical properties (such as structural, functional, and spatial information, amino acid conservation, physicochemical variation, residue mobility, and thermodynamic stability) performed at Invitae indicates that this missense variant is not expected to disrupt PDZD7 protein function. ClinVar contains an entry for this variant (Variation ID: 1471483). This variant has not been reported in the literature in individuals affected with PDZD7-related conditions. This variant is not present in population databases (gnomAD no frequency). This sequence change replaces lysine, which is basic and polar, with glutamic acid, which is acidic and polar, at codon 641 of the PDZD7 protein (p.Lys641Glu).